The following is an entry in ClinVar:

ClinVar aggregate classification (germline): Uncertain significance (1 of 4 stars; one submission).

Conditions:
Inborn genetic diseases. Identifiers: MedGen C0950123, MeSH D030342.

Submission:

Ambry Genetics
Classification: Uncertain significance for Inborn genetic diseases. Last evaluated: 2025-05-27. Review status: criteria provided, single submitter. Criteria: Ambry Variant Classification Scheme 2023. Collection method: clinical testing. Allele origin: germline.
Comment: The c.3191A>C (p.H1064P) alteration is located in exon 7 (coding exon 6) of the ATN1 gene. This alteration results from a A to C substitution at nucleotide position 3191, causing the histidine (H) at amino acid position 1064 to be replaced by a proline (P). This variant was not reported in population-based cohorts in the Genome Aggregation Database (gnomAD). This amino acid position is highly conserved in available vertebrate species. This alteration is predicted to be deleterious by in silico analysis. Based on insufficient or conflicting evidence, the clinical significance of this alteration remains unclear.

NM_001940.4(ATN1):c.3191A>C (p.His1064Pro)

Gene: ATN1 (atrophin 1; plus strand). Cytogenetic location: 12p13.31.
Variant type: single nucleotide variant.
Coding change: c.3191A>C on transcript NM_001940.4 (MANE Select); coding-DNA position 3191, A replaced by C.
Protein change: p.His1064Pro; replaces histidine 1064 with proline.
Molecular consequence: missense variant.
Genome position (GRCh38, 1-based): chr12:6,939,154, A>C. VCF-style: chr12-6939154-A-C. GRCh37 (hg19) VCF-style: chr12-7048317-A-C.
Other names: c.3191A>C, p.His1064Pro (NM_001007026.2, NM_001424176.1, NM_001424177.1 and 1 more transcripts); c.3188A>C, p.His1063Pro (NM_001424179.1, NM_001424180.1); c.3167A>C, p.His1056Pro (NM_001424182.1); short protein forms H1063P, H1064P, H1056P.
Identifiers: ClinVar variation 3803419 (VCV003803419.2).